The following is an entry in ClinVar:

ClinVar aggregate classification (germline): Conflicting classifications of pathogenicity. Review status: criteria provided, conflicting classifications (1 of 4 stars). 3 submissions from 3 submitters: Likely pathogenic (1); Uncertain significance (2). Last evaluated 2025-06-24.

Allele frequency attached by ClinVar (database versions not stated): gnomAD exomes below 0.00001.
gnomAD v4.1: 1 of 1,613,466 alleles (0.000062%); highest among the groups gnomAD compares: Non-Finnish European, 0.000085%; no homozygotes.

Submissions (3):

Dasa
Classification: Uncertain significance. Last evaluated: 2025-06-24. Review status: criteria provided, single submitter. Criteria: DASA Assertion Criteria. Collection method: clinical testing. Allele origin: germline.
Comment: NM_006922.4(SCN3A):c.2293G>A (p.Ala765Thr) is a missense variant that results in the substitution of alanine with threonine. This variant is rare in population databases. The currently available literature and clinical evidence are not sufficient to establish a definitive association between this variant and the reported condition. Therefore, this variant is classified as a variant of uncertain significance.

GeneDx
Classification: Uncertain significance. Last evaluated: 2024-07-26. Review status: criteria provided, single submitter. Criteria: GeneDx Variant Classification Process June 2021. Collection method: clinical testing. Allele origin: germline. Affected: yes.
Comment: Not observed at significant frequency in large population cohorts (gnomAD); In silico analysis supports that this missense variant has a deleterious effect on protein structure/function; Has not been previously published as pathogenic or benign to our knowledge

Labcorp Genetics (formerly Invitae), Labcorp
Classification: Likely pathogenic. Last evaluated: 2019-09-25. Review status: criteria provided, single submitter. Criteria: Invitae Variant Classification Sherloc (09022015). Collection method: clinical testing. Allele origin: germline.
Comment: In summary, the currently available evidence indicates that the variant is pathogenic, but additional data are needed to prove that conclusively. Therefore, this variant has been classified as Likely Pathogenic. Algorithms developed to predict the effect of missense changes on protein structure and function are either unavailable or do not agree on the potential impact of this missense change (SIFT: "Deleterious"; PolyPhen-2: "Probably Damaging"; Align-GVGD: "Class C0"). This variant has been observed in individual(s) with clinical features of SCN3A-related conditions (Invitae). In at least one individual the variant was observed to be de novo. This variant is not present in population databases (ExAC no frequency). This sequence change replaces alanine with threonine at codon 765 of the SCN3A protein (p.Ala765Thr). The alanine residue is highly conserved and there is a small physicochemical difference between alanine and threonine.

NM_006922.4(SCN3A):c.2293G>A (p.Ala765Thr)

Gene: SCN3A (sodium voltage-gated channel alpha subunit 3; minus strand). Cytogenetic location: 2q24.3.
Variant type: single nucleotide variant.
Coding change: c.2293G>A on transcript NM_006922.4 (MANE Select); coding-DNA position 2293, G replaced by A.
Protein change: p.Ala765Thr; replaces alanine 765 with threonine.
Molecular consequence: missense variant.
Genome position (GRCh38, 1-based): chr2:165,137,977, C>T on the plus strand (G>A on the coding strand, the complement: SCN3A is on the minus strand). VCF-style: chr2-165137977-C-T. GRCh37 (hg19) VCF-style: chr2-165994487-C-T.
Other names: c.2146G>A, p.Ala716Thr (NM_001081676.2, NM_001081677.2); short protein forms A716T, A765T.
Identifiers: ClinVar variation 952365 (VCV000952365.12), dbSNP rs1687767627, ClinGen allele CA349045158.